The following is an entry in ClinVar:

NM_004608.4(TBX6):c.484G>A (p.Gly162Ser)

Gene: TBX6 (T-box transcription factor 6; minus strand). Cytogenetic location: 16p11.2.
Variant type: single nucleotide variant.
Coding change: c.484G>A on transcript NM_004608.4 (MANE Select); coding-DNA position 484, G replaced by A.
Protein change: p.Gly162Ser; replaces glycine 162 with serine.
Molecular consequence: missense variant.
Genome position (GRCh38, 1-based): chr16:30,089,080, C>T on the plus strand (G>A on the coding strand, the complement: TBX6 is on the minus strand). VCF-style: chr16-30089080-C-T. GRCh37 (hg19) VCF-style: chr16-30100401-C-T.
Other names: short protein forms G162S.
Identifiers: ClinVar variation 786429 (VCV000786429.49), dbSNP rs56098093, ClinGen allele CA8001910.
Genomic context (GRCh38, chr16:30,089,080, plus strand): 5'-CAGTGGCAGGAGAGTCGGGGTGAATGTAGACACGGTCAGGCAGGCGGGGCTCTGCCTTGC[C>T]GCTGGGCTCCCAGCGCCGGCCCTGCCAGCGGTAGCGAGCCCCATCCACCGGAATCACATC-3'
Protein context (NP_004599.2, residues 152-172): RWQGRRWEPS[Gly162Ser]KAEPRLPDRV

ClinVar aggregate classification (germline): Benign/Likely benign. Review status: criteria provided, multiple submitters, no conflicts (2 of 4 stars). 8 submissions from 8 submitters: Benign (1); Likely benign (3). 4 of the submissions do not count toward it. Last evaluated 2026-04-01.

Conditions:
Spondylocostal dysostosis 5 (SCDO5). Also called: SCOLIOSIS, CONGENITAL, WITH OR WITHOUT RIB ANOMALIES. Identifiers: MedGen C4083048, MONDO:0007389, OMIM 122600.
TBX6-related disorder. Also called: TBX6-related condition.
Neurodevelopmental abnormality. Identifiers: MedGen C4022737, HP:0012759.

Allele frequency attached by ClinVar (database versions not stated): 1000 Genomes Project 0.00080; 1000 Genomes Project 30x 0.00187; TOPMed 0.00330; gnomAD 0.00385 and 0.00404; gnomAD exomes 0.00437; ESP Exome Variant Server 0.00439; ExAC 0.00455.
gnomAD v4.1: 9,153 of 1,613,822 alleles (0.57%); highest among the groups gnomAD compares: Non-Finnish European, 0.67%; 25 homozygotes.

Submissions (8):

CeGaT Center for Human Genetics Tuebingen
Classification: Likely benign. Last evaluated: 2026-04-01. Review status: criteria provided, single submitter. Criteria: CeGaT Center For Human Genetics Tuebingen Variant Classification Criteria Version 2. Collection method: clinical testing. Allele origin: germline. Affected: yes. Observed: 7 variant alleles.
Comment: TBX6: BS2

Labcorp Genetics (formerly Invitae), Labcorp
Classification: Benign. Last evaluated: 2026-01-12. Review status: criteria provided, single submitter. Criteria: Invitae Variant Classification Sherloc (09022015). Collection method: clinical testing. Allele origin: germline.

Fulgent Genetics
Classification: Likely benign for Spondylocostal dysostosis 5. Last evaluated: 2022-03-07. Review status: criteria provided, single submitter. Criteria: ACMG Guidelines, 2015. Collection method: clinical testing. Allele origin: unknown.

Breakthrough Genomics
Classification: Likely benign. Review status: criteria provided, single submitter. Criteria: ACMG Guidelines, 2015. Collection method: not provided. Allele origin: germline. Inheritance: Autosomal recessive inheritance. Affected: yes.

PreventionGenetics, part of Exact Sciences
Classification: Likely benign for TBX6-related condition. Last evaluated: 2021-12-11. Review status: no assertion criteria provided. Collection method: clinical testing. Allele origin: germline. Not counted in ClinVar's aggregate classification.
Comment: This variant is classified as likely benign based on ACMG/AMP sequence variant interpretation guidelines (Richards et al. 2015 PMID: 25741868, with internal and published modifications).

Department of Genetics, Rouen University Hospital, Normandy Center for Genomic and Personalized Medicine
Classification: Uncertain significance for Neurodevelopmental abnormality. Last evaluated: 2020-04-03. Review status: no assertion criteria provided. Collection method: clinical testing. Allele origin: paternal. Affected: yes. Not counted in ClinVar's aggregate classification.

Diagnostic Laboratory, Department of Genetics, University Medical Center Groningen
Classification: Likely benign. Review status: no assertion criteria provided. Collection method: clinical testing. Allele origin: germline. Affected: yes. Study: VKGL Data-share Consensus. Not counted in ClinVar's aggregate classification.

Laboratory of Diagnostic Genome Analysis, Leiden University Medical Center (LUMC)
Classification: Likely benign. Review status: no assertion criteria provided. Collection method: clinical testing. Allele origin: germline. Affected: yes. Study: VKGL Data-share Consensus. Not counted in ClinVar's aggregate classification.